The following is an entry in ClinVar:

NM_000540.3(RYR1):c.9603G>C (p.Met3201Ile)

Gene: RYR1 (ryanodine receptor 1; plus strand). Cytogenetic location: 19q13.2.
Variant type: single nucleotide variant.
Coding change: c.9603G>C on transcript NM_000540.3 (MANE Select); coding-DNA position 9603, G replaced by C.
Protein change: p.Met3201Ile; replaces methionine 3201 with isoleucine.
Molecular consequence: missense variant.
Genome position (GRCh38, 1-based): chr19:38,516,135, G>C. VCF-style: chr19-38516135-G-C. GRCh37 (hg19) VCF-style: chr19-39006775-G-C.
Other names: c.9603G>C, p.Met3201Ile (NM_001042723.2); short protein forms M3201I.
Identifiers: ClinVar variation 590633 (VCV000590633.11), dbSNP rs373611044, ClinGen allele CA308128893.

ClinVar aggregate classification (germline): Uncertain significance. Review status: criteria provided, multiple submitters, no conflicts (2 of 4 stars). 5 submissions from 5 submitters: Uncertain significance (4). 1 of the submissions does not count toward it. Last evaluated 2025-06-25.

Conditions:
RYR1-related disorder. Also called: RYR1-related disorders; RYR1-related condition. Identifiers: MedGen CN239331.
Malignant hyperthermia, susceptibility to, 1 (MHS1). Also called: Anesthesia related hyperthermia; Malignant hyperpyrexia; Fulminating hyperpyrexia; Pharmacogenic myopathy; RYR1-Related Malignant Hyperthermia Susceptibility; Malignant hyperthermia suceptibility 1. Identifiers: Orphanet 423, MedGen C2930980, MONDO:0007783, OMIM 145600.

Allele frequency attached by ClinVar (database versions not stated): TOPMed below 0.00001.
gnomAD v4.1: 11 of 1,551,530 alleles (0.00071%); highest among the groups gnomAD compares: Non-Finnish European, 0.00044%; no homozygotes.

Submissions (5):

Revvity Omics, Revvity
Classification: Uncertain significance. Last evaluated: 2025-06-25. Review status: criteria provided, single submitter. Criteria: ACMG Guidelines, 2015. Collection method: clinical testing. Allele origin: germline.

Color Diagnostics, LLC DBA Color Health
Classification: Uncertain significance for Malignant hyperthermia, susceptibility to, 1. Last evaluated: 2024-07-17. Review status: criteria provided, single submitter. Criteria: ACMG Guidelines, 2015. Collection method: clinical testing. Allele origin: germline.
Comment: This missense variant replaces methionine with isoleucine at codon 3201 of the RYR1 protein. Computational prediction suggests that this variant may not impact protein structure and function. To our knowledge, functional studies have not been reported for this variant. This variant has not been reported in individuals affected with RYR1-related disorders in the literature. This variant has not been identified in the general population by the Genome Aggregation Database (gnomAD). The available evidence is insufficient to determine the role of this variant in disease conclusively. Therefore, this variant is classified as a Variant of Uncertain Significance.

All of Us Research Program, National Institutes of Health
Classification: Uncertain significance for Malignant hyperthermia, susceptibility to, 1. Last evaluated: 2023-12-01. Review status: criteria provided, single submitter. Criteria: ACMG Guidelines, 2015. Collection method: clinical testing. Allele origin: germline. Inheritance: Autosomal dominant inheritance. Observed: 2 variant alleles, 2 heterozygotes.
Comment: This study involves interpretation of variants in research participants for the purpose of population health screening. Participant phenotype was not available at the time of variant classification. Additional details can be found in publication PMID: 35346344, PMCID: PMC8962531

Labcorp Genetics (formerly Invitae), Labcorp
Classification: Uncertain significance for RYR1-related disorder. Last evaluated: 2022-11-01. Review status: criteria provided, single submitter. Criteria: Invitae Variant Classification Sherloc (09022015). Collection method: clinical testing. Allele origin: germline.
Comment: This sequence change replaces methionine, which is neutral and non-polar, with isoleucine, which is neutral and non-polar, at codon 3201 of the RYR1 protein (p.Met3201Ile). This variant is not present in population databases (gnomAD no frequency). This variant has not been reported in the literature in individuals affected with RYR1-related conditions. ClinVar contains an entry for this variant (Variation ID: 590633). Advanced modeling of protein sequence and biophysical properties (such as structural, functional, and spatial information, amino acid conservation, physicochemical variation, residue mobility, and thermodynamic stability) performed at Invitae indicates that this missense variant is not expected to disrupt RYR1 protein function. In summary, the available evidence is currently insufficient to determine the role of this variant in disease. Therefore, it has been classified as a Variant of Uncertain Significance.

PreventionGenetics, part of Exact Sciences
Classification: Uncertain significance for RYR1-related condition. Last evaluated: 2024-06-19. Review status: no assertion criteria provided. Collection method: clinical testing. Allele origin: germline. Not counted in ClinVar's aggregate classification.
Comment: The RYR1 c.9603G>C variant is predicted to result in the amino acid substitution p.Met3201Ile. This variant has been reported in a cohort of individuals with presumably RYR1-related myopathies; however, detailed clinical information was not available (Table S2, Kushnir et al. 2020. PubMed ID: 32236737). This variant has not been reported in a large population database, indicating this variant is rare. At this time, the clinical significance of this variant is uncertain due to the absence of conclusive functional and genetic evidence.